The following is an entry in ClinVar:

ClinVar aggregate classification (germline): Likely benign (1 of 4 stars; one submission).

Submission:

CeGaT Center for Human Genetics Tuebingen
Classification: Likely benign. Last evaluated: 2022-05-01. Review status: criteria provided, single submitter. Criteria: CeGaT Center For Human Genetics Tuebingen Variant Classification Criteria Version 2. Collection method: clinical testing. Allele origin: germline. Affected: yes. Observed: 1 variant allele.
Comment: PANK2: PM2:Supporting, BP4, BP7

NM_001386393.1(PANK2):c.1254G>C (p.Thr418=)

Gene: PANK2 (pantothenate kinase 2; plus strand). Cytogenetic location: 20p13.
Variant type: single nucleotide variant.
Coding change: c.1254G>C on transcript NM_001386393.1 (MANE Select); coding-DNA position 1254, G replaced by C.
Protein change: p.Thr418=; no amino-acid change (threonine 418 retained).
Molecular consequence: synonymous variant. On other transcripts: non-coding transcript variant (1).
Genome position (GRCh38, 1-based): chr20:3,918,718, G>C. VCF-style: chr20-3918718-G-C. GRCh37 (hg19) VCF-style: chr20-3899365-G-C.
Other names: c.711G>C, p.Thr237= (NM_001324191.2, NM_024960.6, NM_153640.4); c.276G>C, p.Thr92= (NM_001324193.2); c.1584G>C, p.Thr528= (NM_153638.4).
Identifiers: ClinVar variation 2652192 (VCV002652192.24), dbSNP rs1327369851, ClinGen allele CA509424232.